The following is an entry in ClinVar:

ClinVar aggregate classification (germline): Likely benign. Review status: criteria provided, multiple submitters, no conflicts (2 of 4 stars). 6 submissions from 6 submitters: Likely benign (6). Last evaluated 2026-01-09.

Conditions:
Ataxia-telangiectasia syndrome (AT). Also called: Ataxia telangiectasia (A-T); LOUIS-BAR SYNDROME; Cerebello-oculocutaneous telangiectasia; Immunodeficiency with ataxia telangiectasia; Ataxia-telangiectasia, complementation group D; AT, COMPLEMENTATION GROUP C. Identifiers: Orphanet 100, MedGen C0004135, MONDO:0008840, OMIM 208900.
Hereditary cancer-predisposing syndrome. Also called: Hereditary neoplastic syndrome; Neoplastic Syndromes, Hereditary; Tumor predisposition; Hereditary Cancer Syndrome. Identifiers: Orphanet 140162, MedGen C0027672, MeSH D009386, MONDO:0015356.

Submissions (6):

Labcorp Genetics (formerly Invitae), Labcorp
Classification: Likely benign for Ataxia-telangiectasia syndrome. Last evaluated: 2026-01-09. Review status: criteria provided, single submitter. Criteria: Invitae Variant Classification Sherloc (09022015). Collection method: clinical testing. Allele origin: germline.

Women's Health and Genetics/Laboratory Corporation of America, LabCorp
Classification: Likely benign. Last evaluated: 2025-04-16. Review status: criteria provided, single submitter. Criteria: LabCorp Variant Classification Summary - May 2015. Collection method: clinical testing. Allele origin: germline.
Comment: Variant summary: ATM c.3994-11_3994-4delTGCCCTTG alters a nucleotide located at a position not widely known to affect splicing. Consensus agreement among computation tools predict no significant impact on normal splicing. However, these predictions have yet to be confirmed by functional studies. The variant was absent in 246136 control chromosomes. The available data on variant occurrences in the general population are insufficient to allow any conclusion about variant significance. To our knowledge, no occurrence of c.3994-11_3994-4delTGCCCTTG in individuals affected with Ataxia-Telangiectasia and no experimental evidence demonstrating its impact on protein function have been reported. ClinVar contains an entry for this variant (Variation ID: 407666). Based on the evidence outlined above, the variant was classified as likely benign.

Center for Genomic Medicine, Rigshospitalet, Copenhagen University Hospital
Classification: Likely benign. Last evaluated: 2025-03-04. Review status: criteria provided, single submitter. Criteria: ACMG Guidelines, 2015. Collection method: clinical testing. Allele origin: germline.

Ambry Genetics
Classification: Likely benign for Hereditary cancer-predisposing syndrome. Last evaluated: 2020-03-30. Review status: criteria provided, single submitter. Criteria: Ambry Variant Classification Scheme 2023. Collection method: clinical testing. Allele origin: germline.

GeneDx
Classification: Likely benign. Last evaluated: 2019-12-25. Review status: criteria provided, single submitter. Criteria: GeneDx Variant Classification Process June 2021. Collection method: clinical testing. Allele origin: germline. Affected: yes.

Color Diagnostics, LLC DBA Color Health
Classification: Likely benign for Hereditary cancer-predisposing syndrome. Last evaluated: 2017-01-03. Review status: criteria provided, single submitter. Criteria: ACMG Guidelines, 2015. Collection method: clinical testing. Allele origin: germline.

NM_000051.4(ATM):c.3994-11_3994-4del

Gene: ATM (ATM serine/threonine kinase; plus strand). Cytogenetic location: 11q22.3.
Variant type: Deletion.
Coding change: c.3994-11_3994-4del on transcript NM_000051.4 (MANE Select); 11 bases into the intron before coding-DNA position 3994 through 4 bases into the intron before coding-DNA position 3994, 8 bases deleted (TGCCCTTG; older notation c.3994-11_3994-4delTGCCCTTG).
Molecular consequence: intron variant.
Genome position (GRCh38, 1-based): chr11:108,287,589-108,287,596, TGCCCTTG deleted; deleting any 8 consecutive bases within chr11:108,287,586-108,287,596 gives the same sequence; the c. name uses the placement nearest the transcript's 3' end. VCF-style (leftmost placement, unchanged base first): chr11-108287585-TTTGTGCCC-T. GRCh37 (hg19) VCF-style: chr11-108158312-TTTGTGCCC-T.
Other names: c.3994-11_3994-4delTGCCCTTG (NM_000051.3, NM_000051.4); c.3994-11_3994-4del (NM_001351834.2).
Identifiers: ClinVar variation 407666 (VCV000407666.17), dbSNP rs1060501665, ClinGen allele CA16613040.